The following is an entry in ClinVar:

NM_080732.4(EGLN2):c.458G>A (p.Ser153Asn)

Genes: EGLN2 (egl-9 family hypoxia inducible factor 2; plus strand), RAB4B-EGLN2 (RAB4B-EGLN2 readthrough (NMD candidate); plus strand). Cytogenetic location: 19q13.2.
Variant type: single nucleotide variant.
Coding change: c.458G>A on transcript NM_080732.4 (MANE Select); coding-DNA position 458, G replaced by A.
Protein change: p.Ser153Asn; replaces serine 153 with asparagine.
Molecular consequence: missense variant. On other transcripts: non-coding transcript variant (1).
Genome position (GRCh38, 1-based): chr19:40,801,030, G>A. VCF-style: chr19-40801030-G-A. GRCh37 (hg19) VCF-style: chr19-41306935-G-A.
Other names: c.458G>A, p.Ser153Asn (NM_053046.4); short protein forms S153N.
Identifiers: ClinVar variation 1741705 (VCV001741705.2), dbSNP rs2515994221, ClinGen allele CA405955298.

ClinVar aggregate classification (germline): Uncertain significance (1 of 4 stars; one submission).

Submission:

Ambry Genetics
Classification: Uncertain significance. Last evaluated: 2024-02-29. Review status: criteria provided, single submitter. Criteria: Ambry Variant Classification Scheme 2023. Collection method: clinical testing. Allele origin: germline.
Comment: The p.S153N variant (also known as c.458G>A), located in coding exon 1 of the EGLN2 gene, results from a G to A substitution at nucleotide position 458. The serine at codon 153 is replaced by asparagine, an amino acid with highly similar properties. This amino acid position is conserved. In addition, this alteration is predicted to be tolerated by in silico analysis. Since supporting evidence is limited at this time, the clinical significance of this alteration remains unclear.